The following is an entry in ClinVar:

ClinVar aggregate classification (germline): Benign/Likely benign. Review status: criteria provided, multiple submitters, no conflicts (2 of 4 stars). 5 submissions from 5 submitters: Benign (2); Likely benign (2). 1 of the submissions does not count toward it. Last evaluated 2026-01-13.

Conditions:
CACNA1G-related disorder. Also called: CACNA1G-related condition; CACNA1G-related disorders.

Allele frequency attached by ClinVar (database versions not stated): ExAC 0.00192; gnomAD 0.00646 and 0.00688; ESP Exome Variant Server 0.00689; TOPMed 0.00721; 1000 Genomes Project 0.00859; 1000 Genomes Project 30x 0.00937.
gnomAD v4.1: 1,882 of 1,613,604 alleles (0.12%); highest among the groups gnomAD compares: African/African-American, 2.2%; 24 homozygotes.

Submissions (5):

Labcorp Genetics (formerly Invitae), Labcorp
Classification: Benign. Last evaluated: 2026-01-13. Review status: criteria provided, single submitter. Criteria: Invitae Variant Classification Sherloc (09022015). Collection method: clinical testing. Allele origin: germline.

Mayo Clinic Laboratories, Mayo Clinic
Classification: Benign. Last evaluated: 2025-06-04. Review status: criteria provided, single submitter. Criteria: ACMG Guidelines, 2015. Collection method: clinical testing. Allele origin: germline. Observed: 1 variant allele.
Comment: BS1, BS2

GeneDx
Classification: Likely benign. Last evaluated: 2021-03-23. Review status: criteria provided, single submitter. Criteria: GeneDx Variant Classification Process June 2021. Collection method: clinical testing. Allele origin: germline. Affected: yes.

Breakthrough Genomics
Classification: Likely benign. Review status: criteria provided, single submitter. Criteria: ACMG Guidelines, 2015. Collection method: not provided. Allele origin: germline. Inheritance: Autosomal dominant inheritance. Affected: yes.

PreventionGenetics, part of Exact Sciences
Classification: Benign for CACNA1G-related condition. Last evaluated: 2020-01-03. Review status: no assertion criteria provided. Collection method: clinical testing. Allele origin: germline. Not counted in ClinVar's aggregate classification.
Comment: This variant is classified as benign based on ACMG/AMP sequence variant interpretation guidelines (Richards et al. 2015 PMID: 25741868, with internal and published modifications).

NM_018896.5(CACNA1G):c.5226+7G>A

Gene: CACNA1G (calcium voltage-gated channel subunit alpha1 G; plus strand). Cytogenetic location: 17q21.33.
Variant type: single nucleotide variant.
Coding change: c.5226+7G>A on transcript NM_018896.5 (MANE Select); 7 bases into the intron after coding-DNA position 5226, G replaced by A.
Molecular consequence: intron variant.
Genome position (GRCh38, 1-based): chr17:50,617,936, G>A. VCF-style: chr17-50617936-G-A. GRCh37 (hg19) VCF-style: chr17-48695297-G-A.
Other names: p.?; c.5247+7G>A (NM_001256325.2); c.5193+7G>A (NM_198377.3, NM_198380.3, NM_198378.3 and 1 more transcripts); c.5226+7G>A (NM_198385.3, NM_198384.3, NM_001256333.2); c.5205+28G>A (NM_001256327.2); c.5172+7G>A (NM_001256324.2, NM_198386.3); c.5151+28G>A (NM_001256328.2); c.5118+7G>A (NM_001256360.2); and 8 more.
Identifiers: ClinVar variation 719569 (VCV000719569.14), dbSNP rs116224642, ClinGen allele CA8653328.